The following is an entry in ClinVar:

ClinVar aggregate classification (germline): Uncertain significance (1 of 4 stars; one submission).

Submission:

GeneDx
Classification: Uncertain significance. Last evaluated: 2015-12-03. Review status: criteria provided, single submitter. Criteria: GeneDx Variant Classification (06012015). Collection method: clinical testing. Allele origin: germline. Affected: yes.
Comment: A variant of uncertain significance has been identified in the SHH gene. The R6G variant has not been published as apathogenic variant, nor has it been reported as a benign variant to our knowledge. It was not observed inapproximately 6,500 individuals of European and African American ancestry in the NHLBI Exome SequencingProject, indicating it is not a common benign variant in these populations. The R6G variant is a non-conservativeamino acid substitution, which is likely to impact secondary protein structure as these residues differ in polarity,charge, size and/or other properties. Another amino acid substitution at the same position (R6T) has been reported ina fetus with semilobar holoprosencephaly that was maternally inherited; no clinical information was provided on theparent (Dubourg et al., 2004). This substitution occurs at a position conserved in mammals but not in distantlyrelated species and in silico analysis is inconsistent in its predictions as to whether or not the variant is damaging tothe protein structure/function. Therefore, based on the currently available information, it is unclear whether this variantis a pathogenic variant or a rare benign variant.

NM_000193.4(SHH):c.16A>G (p.Arg6Gly)

Gene: SHH (sonic hedgehog signaling molecule; minus strand). Cytogenetic location: 7q36.3.
Variant type: single nucleotide variant.
Coding change: c.16A>G on transcript NM_000193.4 (MANE Select); coding-DNA position 16, A replaced by G.
Protein change: p.Arg6Gly; replaces arginine 6 with glycine.
Molecular consequence: missense variant.
Genome position (GRCh38, 1-based): chr7:155,812,107, T>C on the plus strand (A>G on the coding strand, the complement: SHH is on the minus strand). VCF-style: chr7-155812107-T-C. GRCh37 (hg19) VCF-style: chr7-155604801-T-C.
Other names: short protein forms R6G.
Identifiers: ClinVar variation 449588 (VCV000449588.2), dbSNP rs1554495354, ClinGen allele CA370152755.